The following is an entry in ClinVar:

NM_012213.3(MLYCD):c.642-12A>T

Gene: MLYCD (malonyl-CoA decarboxylase; plus strand). Cytogenetic location: 16q23.3.
Variant type: single nucleotide variant.
Coding change: c.642-12A>T on transcript NM_012213.3 (MANE Select); 12 bases into the intron before coding-DNA position 642, A replaced by T.
Molecular consequence: intron variant.
Genome position (GRCh38, 1-based): chr16:83,908,114, A>T. VCF-style: chr16-83908114-A-T. GRCh37 (hg19) VCF-style: chr16-83941719-A-T.
Other names: p.?.
Identifiers: ClinVar variation 95502 (VCV000095502.22), dbSNP rs2278036, ClinGen allele CA148568.

ClinVar aggregate classification (germline): Benign. Review status: criteria provided, multiple submitters, no conflicts (2 of 4 stars). 6 submissions from 6 submitters: Benign (6). Last evaluated 2026-02-04.

Conditions:
Deficiency of malonyl-CoA decarboxylase. Also called: Malonic aciduria; MCD deficiency. Identifiers: Orphanet 943, MedGen C0342793, MONDO:0009556, OMIM 248360.

Allele frequency attached by ClinVar (database versions not stated): ExAC 0.06409; gnomAD exomes 0.06410; ESP Exome Variant Server 0.06548; gnomAD 0.07294 and 0.07434; 1000 Genomes Project 30x 0.07683; 1000 Genomes Project 0.07728; TOPMed 0.07792.
gnomAD v4.1: 89,550 of 1,613,458 alleles (5.6%); highest among the groups gnomAD compares: East Asian, 14%; 3,121 homozygotes.

Submissions (6):

Labcorp Genetics (formerly Invitae), Labcorp
Classification: Benign for Deficiency of malonyl-CoA decarboxylase. Last evaluated: 2026-02-04. Review status: criteria provided, single submitter. Criteria: Invitae Variant Classification Sherloc (09022015). Collection method: clinical testing. Allele origin: germline.

Mayo Clinic Laboratories, Mayo Clinic
Classification: Benign. Last evaluated: 2021-11-25. Review status: criteria provided, single submitter. Criteria: ACMG Guidelines, 2015. Collection method: clinical testing. Allele origin: germline. Observed: 6 variant alleles.

Illumina Laboratory Services, Illumina
Classification: Benign for Deficiency of malonyl-CoA decarboxylase. Last evaluated: 2018-01-12. Review status: criteria provided, single submitter. Criteria: ICSL Variant Classification Criteria 13 December 2019. Collection method: clinical testing. Allele origin: germline.
Comment: This variant was observed in the ICSL laboratory as part of a predisposition screen in an ostensibly healthy population. It had not been previously curated by ICSL or reported in the Human Gene Mutation Database (HGMD: prior to June 1st, 2018), and was therefore a candidate for classification through an automated scoring system. Utilizing variant allele frequency, disease prevalence and penetrance estimates, and inheritance mode, an automated score was calculated to assess if this variant is too frequent to cause the disease. Based on the score and internal cut-off values, a variant classified as benign is not then subjected to further curation. The score for this variant resulted in a classification of benign for this disease.

GeneDx
Classification: Benign. Last evaluated: 2015-03-03. Review status: criteria provided, single submitter. Criteria: GeneDx Variant Classification Process June 2021. Collection method: clinical testing. Allele origin: germline. Affected: yes.

Eurofins Ntd Llc (ga)
Classification: Benign. Last evaluated: 2012-11-28. Review status: criteria provided, single submitter. Criteria: EGL Classification Definitions 2015. Collection method: clinical testing. Allele origin: germline. Observed: 3 variant alleles, 3 heterozygotes.

Breakthrough Genomics
Classification: Benign. Review status: criteria provided, single submitter. Criteria: ACMG Guidelines, 2015. Collection method: not provided. Allele origin: germline. Inheritance: Autosomal recessive inheritance. Affected: yes.